The following is an entry in ClinVar:

NM_001004334.4(GPR179):c.3400C>T (p.Arg1134Trp)

Gene: GPR179 (G protein-coupled receptor 179; minus strand). Cytogenetic location: 17q12.
Variant type: single nucleotide variant.
Coding change: c.3400C>T on transcript NM_001004334.4 (MANE Select); coding-DNA position 3400, C replaced by T.
Protein change: p.Arg1134Trp; replaces arginine 1134 with tryptophan.
Molecular consequence: missense variant.
Genome position (GRCh38, 1-based): chr17:38,330,169, G>A on the plus strand (C>T on the coding strand, the complement: GPR179 is on the minus strand). VCF-style: chr17-38330169-G-A. GRCh37 (hg19) VCF-style: chr17-36486052-G-A.
Other names: short protein forms R1134W.
Identifiers: ClinVar variation 888812 (VCV000888812.8), dbSNP rs376874534, ClinGen allele CA290105146.

ClinVar aggregate classification (germline): Uncertain significance. Review status: criteria provided, multiple submitters, no conflicts (2 of 4 stars). 2 submissions from 2 submitters: Uncertain significance (2). Last evaluated 2022-09-13.

Conditions:
Congenital stationary night blindness 1E. Also called: Night blindness, congenital stationary (complete), 1E, autosomal recessive. Identifiers: Orphanet 215, MedGen C3281215, MONDO:0013807, OMIM 614565.

Allele frequency attached by ClinVar (database versions not stated): gnomAD exomes 0.00001 and 0.00002; TOPMed 0.00002; ExAC 0.00003; gnomAD 0.00005 and 0.00006; ESP Exome Variant Server 0.00008.

Submissions (2):

Labcorp Genetics (formerly Invitae), Labcorp
Classification: Uncertain significance. Last evaluated: 2022-09-13. Review status: criteria provided, single submitter. Criteria: Invitae Variant Classification Sherloc (09022015). Collection method: clinical testing. Allele origin: germline.
Comment: This sequence change replaces arginine, which is basic and polar, with tryptophan, which is neutral and slightly polar, at codon 1134 of the GPR179 protein (p.Arg1134Trp). This variant is present in population databases (rs376874534, gnomAD 0.009%). This variant has not been reported in the literature in individuals affected with GPR179-related conditions. ClinVar contains an entry for this variant (Variation ID: 888812). Algorithms developed to predict the effect of missense changes on protein structure and function are either unavailable or do not agree on the potential impact of this missense change (SIFT: "Deleterious"; PolyPhen-2: "Probably Damaging"; Align-GVGD: "Class C0"). In summary, the available evidence is currently insufficient to determine the role of this variant in disease. Therefore, it has been classified as a Variant of Uncertain Significance.

Illumina Laboratory Services, Illumina
Classification: Uncertain significance for Congenital stationary night blindness 1E. Last evaluated: 2018-01-13. Review status: criteria provided, single submitter. Criteria: ICSL Variant Classification Criteria 13 December 2019. Collection method: clinical testing. Allele origin: germline.